The following is an entry in ClinVar:

NM_000059.4(BRCA2):c.6258C>G (p.Ile2086Met)

Gene: BRCA2 (BRCA2 DNA repair associated; plus strand). Cytogenetic location: 13q13.1.
Variant type: single nucleotide variant.
Coding change: c.6258C>G on transcript NM_000059.4 (MANE Select); coding-DNA position 6258, C replaced by G.
Protein change: p.Ile2086Met; replaces isoleucine 2086 with methionine.
Molecular consequence: missense variant.
Genome position (GRCh38, 1-based): chr13:32,340,613, C>G. VCF-style: chr13-32340613-C-G. GRCh37 (hg19) VCF-style: chr13-32914750-C-G.
Other names: c.6258C>G (NM_000059.3); short protein forms I2086M.
Identifiers: ClinVar variation 1014486 (VCV001014486.51), dbSNP rs1060504611, ClinGen allele CA387788944.
Genomic context (GRCh38, chr13:32,340,613, plus strand): 5'-TTCCATTTTAGAAAGTTCCTTACACAAAGTTAAGGGAGTGTTAGAGGAATTTGATTTAAT[C>G]AGAACTGAGCATAGTCTTCACTATTCACCTACGTCTAGACAAAATGTATCAAAAATACTT-3'
Protein context (NP_000050.3, residues 2076-2096): VKGVLEEFDL[Ile2086Met]RTEHSLHYSP

ClinVar aggregate classification (germline): Conflicting classifications of pathogenicity. Review status: criteria provided, conflicting classifications (1 of 4 stars). 3 submissions from 3 submitters: Uncertain significance (2); Likely benign (1). Last evaluated 2026-01-18.

Conditions:
Hereditary cancer-predisposing syndrome. Also called: Hereditary Cancer Syndrome; Tumor predisposition; Neoplastic Syndromes, Hereditary; Hereditary neoplastic syndrome. Identifiers: Orphanet 140162, MedGen C0027672, MeSH D009386, MONDO:0015356.
Hereditary breast ovarian cancer syndrome. Also called: Hereditary breast and ovarian cancer syndrome (HBOC); Hereditary breast and/or ovarian cancer syndrome; BRCA1- and BRCA2-Associated Hereditary Breast and Ovarian Cancer; Hereditary breast and ovarian cancer syndrome; Hereditary breast and ovarian cancer; Breast and ovarian cancer. Identifiers: Orphanet 145, MedGen C0677776, MeSH D061325, MONDO:0003582. Disease mechanism: loss of function.

Allele frequency attached by ClinVar (database versions not stated): gnomAD exomes below 0.00001 and 0.00001; TOPMed below 0.00001.
gnomAD v4.1: 4 of 1,606,330 alleles (0.00025%); highest among the groups gnomAD compares: East Asian, 0.0067%; no homozygotes.

Submissions (3):

Labcorp Genetics (formerly Invitae), Labcorp
Classification: Uncertain significance for Hereditary breast ovarian cancer syndrome. Last evaluated: 2026-01-18. Review status: criteria provided, single submitter. Criteria: Invitae Variant Classification Sherloc (09022015). Collection method: clinical testing. Allele origin: germline.
Comment: This sequence change replaces isoleucine, which is neutral and non-polar, with methionine, which is neutral and non-polar, at codon 2086 of the BRCA2 protein (p.Ile2086Met). This variant is present in population databases (no rsID available, gnomAD 0.02%). This variant has not been reported in the literature in individuals affected with BRCA2-related conditions. ClinVar contains an entry for this variant (Variation ID: 1014486). Invitae Evidence Modeling of protein sequence and biophysical properties (such as structural, functional, and spatial information, amino acid conservation, physicochemical variation, residue mobility, and thermodynamic stability) indicates that this missense variant is not expected to disrupt BRCA2 protein function with a negative predictive value of 95%. In summary, the available evidence is currently insufficient to determine the role of this variant in disease. Therefore, it has been classified as a Variant of Uncertain Significance.

Ambry Genetics
Classification: Uncertain significance for Hereditary cancer-predisposing syndrome. Last evaluated: 2024-10-08. Review status: criteria provided, single submitter. Criteria: Ambry Variant Classification Scheme 2023. Collection method: clinical testing. Allele origin: germline.
Comment: The p.I2086M variant (also known as c.6258C>G), located in coding exon 10 of the BRCA2 gene, results from a C to G substitution at nucleotide position 6258. The isoleucine at codon 2086 is replaced by methionine, an amino acid with highly similar properties. This amino acid position is not well conserved in available vertebrate species. In addition, this alteration is predicted to be tolerated by in silico analysis. Since supporting evidence is limited at this time, the clinical significance of this alteration remains unclear.

University of Washington Department of Laboratory Medicine, University of Washington
Classification: Likely benign for Hereditary cancer-predisposing syndrome. Last evaluated: 2023-03-23. Review status: criteria provided, single submitter. Criteria: Dines et al. (Genet Med. 2020). Collection method: curation. Allele origin: germline.
Comment: Missense variant in a coldspot region where missense variants are very unlikely to be pathogenic (PMID:31911673).

BRCA2 exon 11 coldspot. Reclassification based on statistical prior probability.